The following is an entry in ClinVar:

ClinVar aggregate classification (germline): Uncertain significance (1 of 4 stars; one submission).

Submission:

GeneDx
Classification: Uncertain significance. Last evaluated: 2023-01-27. Review status: criteria provided, single submitter. Criteria: GeneDx Variant Classification Process June 2021. Collection method: clinical testing. Allele origin: germline. Affected: yes.
Comment: Not observed at significant frequency in large population cohorts (gnomAD); In silico analysis supports that this missense variant has a deleterious effect on protein structure/function; Has not been previously published as pathogenic or benign to our knowledge

NM_181552.4(CUX1):c.1538G>T (p.Ser513Ile)

Gene: CUX1 (cut like homeobox 1; plus strand). Cytogenetic location: 7q22.1.
Variant type: single nucleotide variant.
Coding change: c.1538G>T on transcript NM_181552.4 (MANE Select); coding-DNA position 1538, G replaced by T.
Protein change: p.Ser513Ile; replaces serine 513 with isoleucine.
Molecular consequence: missense variant. On other transcripts: intron variant (5).
Genome position (GRCh38, 1-based): chr7:102,196,949, G>T. VCF-style: chr7-102196949-G-T. GRCh37 (hg19) VCF-style: chr7-101840229-G-T.
Other names: c.1571G>T, p.Ser524Ile (NM_001202543.2); c.1255+1346G>T (NM_001913.5); c.1249+1346G>T (NM_181500.4); c.1117+1346G>T (NM_001202545.3); c.1207+1346G>T (NM_001202544.3); c.1138+1346G>T (NM_001202546.3); short protein forms S513I, S524I.
Identifiers: ClinVar variation 2574478 (VCV002574478.1), dbSNP rs2485341510, ClinGen allele CA368673635.
Genomic context (GRCh38, chr7:102,196,949, plus strand): 5'-ACTCCAAGGCTATGCAGGAAGCCGGAAGCACAAGCATGATTTTTTCAACAGGTCCATACA[G>T]CACAAACTCCATATCTTCCCAAAGTCCATTACAACAAAGCCCAGATGTCAATGGCATGGC-3'
Protein context (NP_853530.2, residues 503-523): TSMIFSTGPY[Ser513Ile]TNSISSQSPL